The following continues an entry in ClinVar:

NM_000243.3(MEFV):c.443A>T (p.Glu148Val)

Gene: MEFV. ClinVar aggregate classification (germline): Conflicting classifications of pathogenicity. Likely pathogenic (3); Uncertain significance (8).

Submissions 10 to 16 of 16:

ARUP Laboratories, Molecular Genetics and Genomics, ARUP Laboratories
Classification: Uncertain significance. Last evaluated: 2018-10-30. Review status: criteria provided, single submitter. Criteria: ARUP Molecular Germline Variant Investigation Process. Collection method: clinical testing. Allele origin: germline.
Comment: The MEFV c.443A>T; p.Glu148Val variant (rs104895076), is reported in the literature in the heterozygous, compound heterozygous, and homozygous state in individuals with a variety of symptoms, ranging from no symptoms to juvenile idiopathic arthritis to familial Mediterranean fever (Comak 2013, Dogan 2013, Dogan 2015, Giaglis 2007, Medlej-Hashim 2002, Sandhya 2017). This variant is reported in ClinVar (Variation ID: 2554), and is found in the South Asian population with an allele frequency of 0.043% (13/30,272 alleles) in the Genome Aggregation Database. The glutamic acid at codon 148 is highly conserved, and computational analyses (SIFT, PolyPhen-2) predict that this variant is deleterious. Due to conflicting phenotype information, the clinical significance of the p.Glu148Val variant is uncertain at this time. References: Comak E et al. MEFV gene mutations in Turkish children with juvenile idiopathic arthritis. Eur J Pediatr. 2013 Aug;172(8):1061-7. Dogan CS et al. Prevalence and significance of the MEFV gene mutations in childhood Henoch-Schonlein purpura without FMF symptoms. Rheumatol Int. 2013 Feb;33(2):377-80. Dogan H et al. Familial Mediterranean fever gene mutations in north-eastern part of Anatolia with special respect to rare mutations. Gene. 2015 Sep 1;568(2):170-5. Giaglis S et al. MEFV alterations and population genetics analysis in a large cohort of Greek patients with familial Mediterranean fever. Clin Genet. 2007 May;71(5):458-67. Medlej-Hashim M et al. Familial Mediterranean fever: the potential for misdiagnosis of E148V using the E148Q usual RFLP detection method. Clin Genet. 2002 Jan;61(1):71-3. Sandhya P et al. Egyptian tale from India: application of whole-exome sequencing in diagnosis of atypical familial Mediterranean fever. Int J Rheum Dis. 2017 Nov;20(11):1770-1775.

Genome Diagnostics Laboratory, The Hospital for Sick Children
Classification: Uncertain significance for Autoinflammatory syndrome. Last evaluated: 2017-12-01. Review status: criteria provided, single submitter. Criteria: ACMG Guidelines, 2015. Collection method: clinical testing. Allele origin: germline. Affected: yes.

OMIM
Classification: Pathogenic for FAMILIAL MEDITERRANEAN FEVER. Last evaluated: 2002-01-01. Review status: no assertion criteria provided. Collection method: literature only. Allele origin: germline. Not counted in ClinVar's aggregate classification.

Unité médicale des maladies autoinflammatoires, CHRU Montpellier
No classification provided. Condition: Familial Mediterranean fever. Review status: no classification provided. Collection method: not provided. Allele origin: unknown. Not counted in ClinVar's aggregate classification.

Genome-Nilou Lab
Classification: Likely benign for Familial Mediterranean fever. Last evaluated: 2023-02-08. Review status: flagged submission. Criteria: ACMG Guidelines, 2015. Collection method: clinical testing. Allele origin: germline. Not counted in ClinVar's aggregate classification.
ClinVar note: Reason: Outlier claim with insufficient supporting evidence

Genome-Nilou Lab
Classification: Benign for Familial Mediterranean fever, autosomal dominant. Last evaluated: 2023-02-08. Review status: flagged submission. Criteria: ACMG Guidelines, 2015. Collection method: clinical testing. Allele origin: germline. Not counted in ClinVar's aggregate classification.
ClinVar note: Reason: Outlier claim with insufficient supporting evidence

Genome-Nilou Lab
Classification: Benign for Acute febrile neutrophilic dermatosis. Last evaluated: 2023-02-08. Review status: flagged submission. Criteria: ACMG Guidelines, 2015. Collection method: clinical testing. Allele origin: germline. Not counted in ClinVar's aggregate classification.
ClinVar note: Reason: Outlier claim with insufficient supporting evidence

Literature cited by the submitters: PubMed 17489852 (cited by 3 submitters); PubMed 14578331 (cited by Women's Health and Genetics/Laboratory Corporation of America, LabCorp); PubMed 15502081 (cited by Women's Health and Genetics/Laboratory Corporation of America, LabCorp); PubMed 14578333 (cited by Women's Health and Genetics/Laboratory Corporation of America, LabCorp); PubMed 11903360 (cited by Women's Health and Genetics/Laboratory Corporation of America, LabCorp and OMIM); PubMed 15475974 (cited by Women's Health and Genetics/Laboratory Corporation of America, LabCorp); PubMed 15643295 (cited by Women's Health and Genetics/Laboratory Corporation of America, LabCorp); PubMed 21413889 (cited by Women's Health and Genetics/Laboratory Corporation of America, LabCorp); PubMed 22451026 (cited by Women's Health and Genetics/Laboratory Corporation of America, LabCorp); PubMed 22903357 (cited by Women's Health and Genetics/Laboratory Corporation of America, LabCorp); PubMed 23588594 (cited by Women's Health and Genetics/Laboratory Corporation of America, LabCorp); PubMed 23463692 (cited by Women's Health and Genetics/Laboratory Corporation of America, LabCorp); PubMed 16403826 (cited by Women's Health and Genetics/Laboratory Corporation of America, LabCorp and Natera, Inc.); PubMed 24469716 (cited by Women's Health and Genetics/Laboratory Corporation of America, LabCorp and Labcorp Genetics (formerly Invitae), Labcorp); PubMed 26028444 (cited by Women's Health and Genetics/Laboratory Corporation of America, LabCorp); PubMed 26003477 (cited by Women's Health and Genetics/Laboratory Corporation of America, LabCorp and Natera, Inc.); PubMed 29047407 (cited by Women's Health and Genetics/Laboratory Corporation of America, LabCorp); PubMed 29735907 (cited by 3 submitters); PubMed 28483595 (cited by Women's Health and Genetics/Laboratory Corporation of America, LabCorp and Labcorp Genetics (formerly Invitae), Labcorp); PubMed 26585190 (cited by Women's Health and Genetics/Laboratory Corporation of America, LabCorp and Natera, Inc.); PubMed 28211254 (cited by Women's Health and Genetics/Laboratory Corporation of America, LabCorp and Labcorp Genetics (formerly Invitae), Labcorp); PubMed 28597968 (cited by Women's Health and Genetics/Laboratory Corporation of America, LabCorp); PubMed 31411330 (cited by Women's Health and Genetics/Laboratory Corporation of America, LabCorp); PubMed 32199921 (cited by Women's Health and Genetics/Laboratory Corporation of America, LabCorp); PubMed 31646357 (cited by Women's Health and Genetics/Laboratory Corporation of America, LabCorp); PubMed 33576586 (cited by Natera, Inc.); PubMed 40067091 (cited by Natera, Inc.); PubMed 39042260 (cited by Natera, Inc.).